The following is an entry in ClinVar:

ClinVar aggregate classification (germline): Uncertain significance. Review status: criteria provided, multiple submitters, no conflicts (2 of 4 stars). 2 submissions from 2 submitters: Uncertain significance (2). Last evaluated 2024-04-17.

Allele frequency attached by ClinVar (database versions not stated): gnomAD 0.00001; TOPMed 0.00001; ExAC 0.00002.
gnomAD v4.1: 9 of 1,613,928 alleles (0.00056%); highest among the groups gnomAD compares: African/African-American, 0.0013%; no homozygotes.

Submissions (2):

Labcorp Genetics (formerly Invitae), Labcorp
Classification: Uncertain significance. Last evaluated: 2024-04-17. Review status: criteria provided, single submitter. Criteria: Invitae Variant Classification Sherloc (09022015). Collection method: clinical testing. Allele origin: germline.
Comment: This sequence change replaces arginine, which is basic and polar, with glutamine, which is neutral and polar, at codon 854 of the DCHS1 protein (p.Arg854Gln). This variant is present in population databases (rs773446156, gnomAD 0.002%). This variant has not been reported in the literature in individuals affected with DCHS1-related conditions. ClinVar contains an entry for this variant (Variation ID: 2505689). Advanced modeling of protein sequence and biophysical properties (such as structural, functional, and spatial information, amino acid conservation, physicochemical variation, residue mobility, and thermodynamic stability) performed at Invitae indicates that this missense variant is not expected to disrupt DCHS1 protein function with a negative predictive value of 80%. In summary, the available evidence is currently insufficient to determine the role of this variant in disease. Therefore, it has been classified as a Variant of Uncertain Significance.

GeneDx
Classification: Uncertain significance. Last evaluated: 2022-12-09. Review status: criteria provided, single submitter. Criteria: GeneDx Variant Classification Process June 2021. Collection method: clinical testing. Allele origin: germline. Affected: yes.
Comment: Not observed at significant frequency in large population cohorts (gnomAD); In silico analysis supports that this missense variant does not alter protein structure/function; Has not been previously published as pathogenic or benign to our knowledge

NM_003737.4(DCHS1):c.2561G>A (p.Arg854Gln)

Gene: DCHS1 (dachsous cadherin-related 1; minus strand). Cytogenetic location: 11p15.4.
Variant type: single nucleotide variant.
Coding change: c.2561G>A on transcript NM_003737.4 (MANE Select); coding-DNA position 2561, G replaced by A.
Protein change: p.Arg854Gln; replaces arginine 854 with glutamine.
Molecular consequence: missense variant.
Genome position (GRCh38, 1-based): chr11:6,632,951, C>T on the plus strand (G>A on the coding strand, the complement: DCHS1 is on the minus strand). VCF-style: chr11-6632951-C-T. GRCh37 (hg19) VCF-style: chr11-6654182-C-T.
Other names: short protein forms R854Q.
Identifiers: ClinVar variation 2505689 (VCV002505689.3), dbSNP rs773446156, ClinGen allele CA5860698.